The following is an entry in ClinVar:

ClinVar aggregate classification (germline): Uncertain significance. Review status: criteria provided, multiple submitters, no conflicts (2 of 4 stars). 4 submissions from 4 submitters: Uncertain significance (4). Last evaluated 2026-08-01.

Conditions:
Hypokalemic periodic paralysis, type 1. Also called: Hypokalemic Periodic Paralysis Type 1 (AD); HypoPP. Identifiers: Orphanet 681, MedGen C3714580, MONDO:0042979, OMIM 170400.
Malignant hyperthermia, susceptibility to, 5 (MHS5). Also called: CACNA1S-Related Malignant Hyperthermia Susceptibility. Identifiers: Orphanet 423, MedGen C1866077, MONDO:0011163, OMIM 601887.

Allele frequency attached by ClinVar (database versions not stated): TOPMed below 0.00001.
gnomAD v4.1: 13 of 1,609,596 alleles (0.00081%); highest among the groups gnomAD compares: Non-Finnish European, 0.00094%; no homozygotes.

Submissions (4):

CeGaT Center for Human Genetics Tuebingen
Classification: Uncertain significance. Last evaluated: 2026-08-01. Review status: criteria provided, single submitter. Criteria: CeGaT Center For Human Genetics Tuebingen Variant Classification Criteria Version 2. Collection method: clinical testing. Allele origin: germline. Affected: yes. Observed: 2 variant alleles.
Comment: CACNA1S: PM2, PP3

Labcorp Genetics (formerly Invitae), Labcorp
Classification: Uncertain significance for Hypokalemic periodic paralysis, type 1; Malignant hyperthermia, susceptibility to, 5. Last evaluated: 2025-04-30. Review status: criteria provided, single submitter. Criteria: Invitae Variant Classification Sherloc (09022015). Collection method: clinical testing. Allele origin: germline.
Comment: This sequence change replaces histidine, which is basic and polar, with glutamine, which is neutral and polar, at codon 1139 of the CACNA1S protein (p.His1139Gln). This variant is not present in population databases (gnomAD no frequency). This missense change has been observed in individual(s) with statin myopathy (PMID: 30325262). ClinVar contains an entry for this variant (Variation ID: 3073193). Invitae Evidence Modeling of protein sequence and biophysical properties (such as structural, functional, and spatial information, amino acid conservation, physicochemical variation, residue mobility, and thermodynamic stability) has been performed for this missense variant. However, the output from this modeling did not meet the statistical confidence thresholds required to predict the impact of this variant on CACNA1S protein function. Algorithms developed to predict the effect of sequence changes on RNA splicing suggest that this variant may create or strengthen a splice site. In summary, the available evidence is currently insufficient to determine the role of this variant in disease. Therefore, it has been classified as a Variant of Uncertain Significance.

All of Us Research Program, National Institutes of Health
Classification: Uncertain significance for Malignant hyperthermia, susceptibility to, 5. Last evaluated: 2024-05-30. Review status: criteria provided, single submitter. Criteria: ACMG Guidelines, 2015. Collection method: clinical testing. Allele origin: germline. Inheritance: Autosomal dominant inheritance. Observed: 3 variant alleles, 3 heterozygotes.
Comment: This missense variant replaces histidine with glutamine at codon 1139 of the CACNA1S protein. Computational prediction suggests that this variant may have deleterious impact on protein structure and function (internally defined REVEL score threshold >= 0.7, PMID: 27666373). To our knowledge, functional studies have not been reported for this variant. This variant has not been reported in individuals affected with autosomal dominant malignant hyperthermia in the literature, although it is associated with other phenotypes (PMID: 30325262). This variant has not been identified in the general population by the Genome Aggregation Database (gnomAD). The available evidence is insufficient to determine the role of this variant in disease conclusively. Therefore, this variant is classified as a Variant of Uncertain Significance.

This study involves interpretation of variants in research participants for the purpose of population health screening. Participant phenotype was not available at the time of variant classification. Additional details can be found in publication PMID: 35346344, PMCID: PMC8962531

Blueprint Genetics
Classification: Uncertain significance. Last evaluated: 2021-03-17. Review status: criteria provided, single submitter. Criteria: ACMG Guidelines, 2015. Collection method: clinical testing. Allele origin: germline.

Literature cited by the submitters: PubMed 30325262 (cited by Labcorp Genetics (formerly Invitae), Labcorp and All of Us Research Program, National Institutes of Health).

NM_000069.3(CACNA1S):c.3417C>G (p.His1139Gln)

Gene: CACNA1S (calcium voltage-gated channel subunit alpha1 S; minus strand). Cytogenetic location: 1q32.1.
Variant type: single nucleotide variant.
Coding change: c.3417C>G on transcript NM_000069.3 (MANE Select); coding-DNA position 3417, C replaced by G.
Protein change: p.His1139Gln; replaces histidine 1139 with glutamine.
Molecular consequence: missense variant.
Genome position (GRCh38, 1-based): chr1:201,059,297, G>C on the plus strand (C>G on the coding strand, the complement: CACNA1S is on the minus strand). VCF-style: chr1-201059297-G-C. GRCh37 (hg19) VCF-style: chr1-201028425-G-C.
Other names: short protein forms H1139Q.
Identifiers: ClinVar variation 3073193 (VCV003073193.23), dbSNP rs1204964501, ClinGen allele CA344158952.